The following is an entry in ClinVar:

NM_078480.3(PUF60):c.1381-3C>T

Gene: PUF60 (poly(U) binding splicing factor 60; minus strand). Cytogenetic location: 8q24.3.
Variant type: single nucleotide variant.
Coding change: c.1381-3C>T on transcript NM_078480.3 (MANE Select); 3 bases into the intron before coding-DNA position 1381, C replaced by T.
Molecular consequence: intron variant.
Genome position (GRCh38, 1-based): chr8:143,816,822, G>A on the plus strand (C>T on the coding strand, the complement: PUF60 is on the minus strand). VCF-style: chr8-143816822-G-A. GRCh37 (hg19) VCF-style: chr8-144898992-G-A.
Other names: c.1243-3C>T (NM_001271097.2); c.1294-3C>T (NM_001271099.2); c.1327-3C>T (NM_001271096.2); c.1378-3C>T (NM_001271098.2); c.1330-3C>T (NM_014281.5); c.1201-3C>T (NM_001271100.2); c.1252-3C>T (NM_001136033.3); c.1441-3C>T (NM_001362897.2); and 1 more.
Identifiers: ClinVar variation 3046672 (VCV003046672.2), dbSNP rs375574800, ClinGen allele CA187615635.

ClinVar aggregate classification (germline): Likely benign (0 of 4 stars; one submission).

Conditions:
PUF60-related disorder. Also called: PUF60-related condition.

Allele frequency attached by ClinVar (database versions not stated): ESP Exome Variant Server 0.00024; TOPMed 0.00007; ExAC 0.00008; gnomAD 0.00013; gnomAD exomes 0.00022.
gnomAD v4.1: 331 of 1,611,396 alleles (0.021%); highest among the groups gnomAD compares: Non-Finnish European, 0.026%; no homozygotes.

Submission:

PreventionGenetics, part of Exact Sciences
Classification: Likely benign for PUF60-related condition. Last evaluated: 2022-01-31. Review status: no assertion criteria provided. Collection method: clinical testing. Allele origin: germline.
Comment: This variant is classified as likely benign based on ACMG/AMP sequence variant interpretation guidelines (Richards et al. 2015 PMID: 25741868, with internal and published modifications).